The following is an entry in ClinVar:

ClinVar aggregate classification (germline): Uncertain significance. Review status: criteria provided, multiple submitters, no conflicts (2 of 4 stars). 2 submissions from 2 submitters: Uncertain significance (2). Last evaluated 2026-06-29.

Conditions:
Autosomal recessive limb-girdle muscular dystrophy type 2J (LGMDR10). Also called: MUSCULAR DYSTROPHY, LIMB-GIRDLE, AUTOSOMAL RECESSIVE 10; Limb-girdle muscular dystrophy, type 2J. Identifiers: Orphanet 140922, MedGen C1837342, MONDO:0012127, OMIM 608807.
Dilated cardiomyopathy 1G (CMD1G). Identifiers: Orphanet 154, MedGen C1858763, MONDO:0011400, OMIM 604145.

Allele frequency attached by ClinVar (database versions not stated): gnomAD 0.00001; gnomAD exomes 0.00001; TOPMed 0.00001.
gnomAD v4.1: 12 of 1,613,276 alleles (0.00074%); highest among the groups gnomAD compares: African/African-American, 0.0027%; no homozygotes.

Submissions (2):

Women's Health and Genetics/Laboratory Corporation of America, LabCorp
Classification: Uncertain significance. Last evaluated: 2026-06-29. Review status: criteria provided, single submitter. Criteria: LabCorp Variant Classification Summary - May 2015. Collection method: clinical testing. Allele origin: germline.
Comment: Variant summary: TTN c.75523C>T (p.Arg25175Trp) results in a non-conservative amino acid change in the encoded protein sequence. Algorithms developed to predict the effect of missense changes on protein structure and function all suggest that this variant is likely to be disruptive. The variant allele was found at a frequency of 8.1e-06 in 248128 control chromosomes. The available data on variant occurrences in the general population are insufficient to allow any conclusion about variant significance. To our knowledge, no occurrence of c.75523C>T in individuals affected with TTN-related conditions and no experimental evidence demonstrating its impact on protein function have been reported. ClinVar contains an entry for this variant (Variation ID: 535564). Based on the evidence outlined above, the variant was classified as uncertain significance.

Labcorp Genetics (formerly Invitae), Labcorp
Classification: Uncertain significance for Dilated cardiomyopathy 1G; Autosomal recessive limb-girdle muscular dystrophy type 2J. Last evaluated: 2017-10-24. Review status: criteria provided, single submitter. Criteria: Invitae Variant Classification Sherloc (09022015). Collection method: clinical testing. Allele origin: germline.

NM_001267550.2(TTN):c.83227C>T (p.Arg27743Trp)

Genes: TTN-AS1 (TTN antisense RNA 1; plus strand), TTN (titin; minus strand). Cytogenetic location: 2q31.2.
Variant type: single nucleotide variant.
Coding change: c.83227C>T on transcript NM_001267550.2 (MANE Select); coding-DNA position 83227, C replaced by T.
Protein change: p.Arg27743Trp; replaces arginine 27743 with tryptophan.
Molecular consequence: missense variant.
Genome position (GRCh38, 1-based): chr2:178,562,905, G>A on the plus strand (C>T on the coding strand, the complement: TTN is on the minus strand). VCF-style: chr2-178562905-G-A. GRCh37 (hg19) VCF-style: chr2-179427632-G-A.
Other names: c.78304C>T, p.Arg26102Trp (NM_001256850.1); c.56032C>T, p.Arg18678Trp (NM_003319.4); c.75523C>T, p.Arg25175Trp (NM_133378.4); c.56407C>T, p.Arg18803Trp (NM_133432.3); c.56608C>T, p.Arg18870Trp (NM_133437.4); short protein forms R27743W, R18678W, R18803W, R25175W, R26102W, R18870W.
Identifiers: ClinVar variation 535564 (VCV000535564.4), dbSNP rs1185542536, ClinGen allele CA349568769.